The following is an entry in ClinVar:

ClinVar aggregate classification (germline): Uncertain significance. Review status: criteria provided, multiple submitters, no conflicts (2 of 4 stars). 2 submissions from 2 submitters: Uncertain significance (2). Last evaluated 2025-03-27.

Conditions:
Hereditary cancer-predisposing syndrome. Also called: Neoplastic Syndromes, Hereditary; Hereditary Cancer Syndrome; Tumor predisposition; Hereditary neoplastic syndrome. Identifiers: Orphanet 140162, MedGen C0027672, MeSH D009386, MONDO:0015356.
Tuberous sclerosis 2 (TSC2). Identifiers: Orphanet 805, MedGen C1860707, MONDO:0013199, OMIM 613254.

Submissions (2):

Ambry Genetics
Classification: Uncertain significance for Hereditary cancer-predisposing syndrome. Last evaluated: 2025-03-27. Review status: criteria provided, single submitter. Criteria: Ambry Variant Classification Scheme 2023. Collection method: clinical testing. Allele origin: germline.
Comment: The p.N1182D variant (also known as c.3544A>G), located in coding exon 29 of the TSC2 gene, results from an A to G substitution at nucleotide position 3544. The asparagine at codon 1182 is replaced by aspartic acid, an amino acid with highly similar properties. This amino acid position is conserved. In addition, the in silico prediction for this alteration is inconclusive. Based on the available evidence, the clinical significance of this variant remains unclear.

Labcorp Genetics (formerly Invitae), Labcorp
Classification: Uncertain significance for Tuberous sclerosis 2. Last evaluated: 2020-04-29. Review status: criteria provided, single submitter. Criteria: Invitae Variant Classification Sherloc (09022015). Collection method: clinical testing. Allele origin: germline.
Comment: In summary, the available evidence is currently insufficient to determine the role of this variant in disease. Therefore, it has been classified as a Variant of Uncertain Significance. Algorithms developed to predict the effect of missense changes on protein structure and function (SIFT, PolyPhen-2, Align-GVGD) all suggest that this variant is likely to be tolerated, but these predictions have not been confirmed by published functional studies and their clinical significance is uncertain. This variant has not been reported in the literature in individuals with TSC2-related conditions. This variant is not present in population databases (ExAC no frequency). This sequence change replaces asparagine with aspartic acid at codon 1182 of the TSC2 protein (p.Asn1182Asp). The asparagine residue is weakly conserved and there is a small physicochemical difference between asparagine and aspartic acid.

NM_000548.5(TSC2):c.3544A>G (p.Asn1182Asp)

Gene: TSC2 (TSC complex subunit 2; plus strand). Cytogenetic location: 16p13.3.
Variant type: single nucleotide variant.
Coding change: c.3544A>G on transcript NM_000548.5 (MANE Select); coding-DNA position 3544, A replaced by G.
Protein change: p.Asn1182Asp; replaces asparagine 1182 with aspartic acid.
Molecular consequence: missense variant.
Genome position (GRCh38, 1-based): chr16:2,080,311, A>G. VCF-style: chr16-2080311-A-G. GRCh37 (hg19) VCF-style: chr16-2130312-A-G.
Other names: c.3544A>G (NM_000548.3); c.3412A>G, p.Asn1138Asp (NM_001077183.3, NM_001370404.1); c.3544A>G, p.Asn1182Asp (NM_001114382.3); c.3304A>G, p.Asn1102Asp (NM_001318827.2); c.3268A>G, p.Asn1090Asp (NM_001318829.2); c.2812A>G, p.Asn938Asp (NM_001318831.2); c.3445A>G, p.Asn1149Asp (NM_001318832.2); c.3415A>G, p.Asn1139Asp (NM_001363528.2, NM_001370405.1, NM_021055.3); short protein forms N1139D, N1149D, N1090D, N1102D, N1138D, N938D, N1182D.
Identifiers: ClinVar variation 1034787 (VCV001034787.9), dbSNP rs2089974047, ClinGen allele CA394289481.